The following is an entry in ClinVar:

NM_002439.5(MSH3):c.2836T>G (p.Tyr946Asp)

Gene: MSH3 (mutS homolog 3; plus strand). Cytogenetic location: 5q14.1.
Variant type: single nucleotide variant.
Coding change: c.2836T>G on transcript NM_002439.5 (MANE Select); coding-DNA position 2836, T replaced by G.
Protein change: p.Tyr946Asp; replaces tyrosine 946 with aspartic acid.
Molecular consequence: missense variant.
Genome position (GRCh38, 1-based): chr5:80,854,152, T>G. VCF-style: chr5-80854152-T-G. GRCh37 (hg19) VCF-style: chr5-80149971-T-G.
Other names: short protein forms Y946D.
Identifiers: ClinVar variation 2986809 (VCV002986809.3), dbSNP rs1377948333, ClinGen allele CA360275502.

ClinVar aggregate classification (germline): Uncertain significance (1 of 4 stars; one submission).

Submission:

Labcorp Genetics (formerly Invitae), Labcorp
Classification: Uncertain significance. Last evaluated: 2023-05-02. Review status: criteria provided, single submitter. Criteria: Invitae Variant Classification Sherloc (09022015). Collection method: clinical testing. Allele origin: germline.
Comment: This sequence change replaces tyrosine, which is neutral and polar, with aspartic acid, which is acidic and polar, at codon 946 of the MSH3 protein (p.Tyr946Asp). This variant is not present in population databases (gnomAD no frequency). This variant has not been reported in the literature in individuals affected with MSH3-related conditions. An algorithm developed to predict the effect of missense changes on protein structure and function (PolyPhen-2) suggests that this variant is likely to be disruptive. In summary, the available evidence is currently insufficient to determine the role of this variant in disease. Therefore, it has been classified as a Variant of Uncertain Significance.